The following is an entry in ClinVar:

ClinVar aggregate classification (germline): Uncertain significance (1 of 4 stars; one submission).

gnomAD v4.1: 1 of 1,614,034 alleles (0.000062%); highest among the groups gnomAD compares: Admixed American, 0.0017%; no homozygotes.

Submission:

Labcorp Genetics (formerly Invitae), Labcorp
Classification: Uncertain significance. Last evaluated: 2022-06-13. Review status: criteria provided, single submitter. Criteria: Invitae Variant Classification Sherloc (09022015). Collection method: clinical testing. Allele origin: germline.
Comment: This sequence change replaces valine, which is neutral and non-polar, with leucine, which is neutral and non-polar, at codon 822 of the ORC1 protein (p.Val822Leu). This variant is not present in population databases (gnomAD no frequency). In summary, the available evidence is currently insufficient to determine the role of this variant in disease. Therefore, it has been classified as a Variant of Uncertain Significance. Algorithms developed to predict the effect of missense changes on protein structure and function are either unavailable or do not agree on the potential impact of this missense change (SIFT: "Tolerated"; PolyPhen-2: "Possibly Damaging"; Align-GVGD: "Class C0"). This variant has not been reported in the literature in individuals affected with ORC1-related conditions.

NM_004153.4(ORC1):c.2464G>C (p.Val822Leu)

Gene: ORC1 (origin recognition complex subunit 1; minus strand). Cytogenetic location: 1p32.3.
Variant type: single nucleotide variant.
Coding change: c.2464G>C on transcript NM_004153.4 (MANE Select); coding-DNA position 2464, G replaced by C.
Protein change: p.Val822Leu; replaces valine 822 with leucine.
Molecular consequence: missense variant.
Genome position (GRCh38, 1-based): chr1:52,373,303, C>G on the plus strand (G>C on the coding strand, the complement: ORC1 is on the minus strand). VCF-style: chr1-52373303-C-G. GRCh37 (hg19) VCF-style: chr1-52838975-C-G.
Other names: c.2464G>C, p.Val822Leu (NM_001190818.2); c.2449G>C, p.Val817Leu (NM_001190819.2); short protein forms V822L, V817L.
Identifiers: ClinVar variation 1520955 (VCV001520955.8), dbSNP rs770286151, ClinGen allele CA340344037.